The following is an entry in ClinVar:

NM_005629.4(SLC6A8):c.1414C>T (p.Leu472=)

Gene: SLC6A8 (solute carrier family 6 member 8; plus strand). Cytogenetic location: Xq28.
Variant type: single nucleotide variant.
Coding change: c.1414C>T on transcript NM_005629.4 (MANE Select); coding-DNA position 1414, C replaced by T.
Protein change: p.Leu472=; no amino-acid change (leucine 472 retained).
Molecular consequence: synonymous variant.
Genome position (GRCh38, 1-based): chrX:153,694,365, C>T. VCF-style: chrX-153694365-C-T. GRCh37 (hg19) VCF-style: chrX-152959820-C-T.
Other names: c.1384C>T, p.Leu462= (NM_001142805.2); c.1069C>T, p.Leu357= (NM_001142806.1).
Identifiers: ClinVar variation 416008 (VCV000416008.11), dbSNP rs781974297, ClinGen allele CA10549519.

ClinVar aggregate classification (germline): Likely benign. Review status: criteria provided, multiple submitters, no conflicts (2 of 4 stars). 2 submissions from 2 submitters: Likely benign (2). Last evaluated 2025-12-15.

Conditions:
Creatine transporter deficiency (CCDS1). Also called: Creatine Transporter (CRTR) Deficiency; Mental retardation , X-linked with seizures, short stature and midface hypoplasia; Mental retardation , X-linked, with creatine transport deficiency; X-linked creatine transporter deficiency; X-linked creatine deficiency syndrome; SLC6A8-Related Creatine Transporter Deficiency. Identifiers: Orphanet 52503, MedGen C1845862, MONDO:0010305, OMIM 300352.

Allele frequency attached by ClinVar (database versions not stated): gnomAD exomes 0.00001 and 0.00003; ExAC 0.00002; gnomAD 0.00002; TOPMed 0.00003.
gnomAD v4.1: 9 of 1,209,144 alleles (0.00074%); highest among the groups gnomAD compares: Admixed American, 0.017%; no homozygotes.

Submissions (2):

Labcorp Genetics (formerly Invitae), Labcorp
Classification: Likely benign for Creatine transporter deficiency. Last evaluated: 2025-12-15. Review status: criteria provided, single submitter. Criteria: Invitae Variant Classification Sherloc (09022015). Collection method: clinical testing. Allele origin: germline.

GeneDx
Classification: Likely benign. Last evaluated: 2018-01-02. Review status: criteria provided, single submitter. Criteria: GeneDx Variant Classification (06012015). Collection method: clinical testing. Allele origin: germline. Affected: yes.
Comment: This variant is considered likely benign or benign based on one or more of the following criteria: it is a conservative change, it occurs at a poorly conserved position in the protein, it is predicted to be benign by multiple in silico algorithms, and/or has population frequency not consistent with disease.